The following is an entry in ClinVar:

NM_000059.4(BRCA2):c.8165C>A (p.Thr2722Lys)

Gene: BRCA2 (BRCA2 DNA repair associated; plus strand). Cytogenetic location: 13q13.1.
Variant type: single nucleotide variant.
Coding change: c.8165C>A on transcript NM_000059.4 (MANE Select); coding-DNA position 8165, C replaced by A.
Protein change: p.Thr2722Lys; replaces threonine 2722 with lysine.
Molecular consequence: missense variant.
Genome position (GRCh38, 1-based): chr13:32,363,367, C>A. VCF-style: chr13-32363367-C-A. GRCh37 (hg19) VCF-style: chr13-32937504-C-A.
Other names: short protein forms T2722K.
Identifiers: ClinVar variation 230821 (VCV000230821.15), dbSNP rs80359062, ClinGen allele CA10579769.

ClinVar aggregate classification (germline): Pathogenic/Likely pathogenic. Review status: criteria provided, multiple submitters, no conflicts (2 of 4 stars). 3 submissions from 3 submitters: Pathogenic (1); Likely pathogenic (2). Last evaluated 2025-10-26.

Conditions:
Hereditary cancer-predisposing syndrome. Also called: Hereditary Cancer Syndrome; Neoplastic Syndromes, Hereditary; Tumor predisposition; Hereditary neoplastic syndrome. Identifiers: Orphanet 140162, MedGen C0027672, MeSH D009386, MONDO:0015356.
Breast-ovarian cancer, familial, susceptibility to, 2 (BROVCA2). Also called: BRCA2 Hereditary Breast and Ovarian Cancer. Identifiers: Orphanet 145, MedGen C2675520, MONDO:0012933, OMIM 612555. Disease mechanism: loss of function.
Hereditary breast ovarian cancer syndrome. Also called: Hereditary breast and/or ovarian cancer syndrome; BRCA1- and BRCA2-Associated Hereditary Breast and Ovarian Cancer; Hereditary breast and ovarian cancer syndrome (HBOC); Hereditary breast and ovarian cancer; Hereditary breast and ovarian cancer syndrome; Breast and ovarian cancer. Identifiers: Orphanet 145, MedGen C0677776, MeSH D061325, MONDO:0003582. Disease mechanism: loss of function.

Submissions (3):

Labcorp Genetics (formerly Invitae), Labcorp
Classification: Likely pathogenic for Hereditary breast ovarian cancer syndrome. Last evaluated: 2025-10-26. Review status: criteria provided, single submitter. Criteria: Invitae Variant Classification Sherloc (09022015). Collection method: clinical testing. Allele origin: germline.
Comment: This sequence change replaces threonine, which is neutral and polar, with lysine, which is basic and polar, at codon 2722 of the BRCA2 protein (p.Thr2722Lys). This variant is not present in population databases (gnomAD no frequency). This missense change has been observed in individual(s) with breast cancer (PMID: 27878467). ClinVar contains an entry for this variant (Variation ID: 230821). Invitae Evidence Modeling incorporating data from in vitro experimental studies (PMID: 33609447) indicates that this missense variant is expected to disrupt BRCA2 function with a positive predictive value of 95%. Experimental studies have shown that this missense change affects BRCA2 function (PMID: 37731132). This variant disrupts the p.2722 amino acid residue in BRCA2. Other variant(s) that disrupt this residue have been determined to be pathogenic (PMID: 12145750, 18451181, 18607349, 23108138, 25146914). This suggests that this residue is clinically significant, and that variants that disrupt this residue are likely to be disease-causing. In summary, the currently available evidence indicates that the variant is pathogenic, but additional data are needed to prove that conclusively. Therefore, this variant has been classified as Likely Pathogenic.

Ambry Genetics
Classification: Pathogenic for Hereditary cancer-predisposing syndrome. Last evaluated: 2025-05-27. Review status: criteria provided, single submitter. Criteria: Ambry Variant Classification Scheme 2023. Collection method: clinical testing. Allele origin: germline.
Comment: The p.T2722K pathogenic mutation (also known as c.8165C>A), located in coding exon 17 of the BRCA2 gene, results from a C to A substitution at nucleotide position 8165. The threonine at codon 2722 is replaced by lysine, an amino acid with similar properties. Another disease-causing mutation, p.T2722R, has been described in the same codon (Easton DF et al. Am. J. Hum. Genet. 2007 Nov;81:873-83; Vallee MP et al. Hum. Mutat. 2012 Jan;33:22-8). This amino acid position is highly conserved in available vertebrate species. This alteration was non-functional in a homology-directed DNA repair (HDR) assay (Richardson ME et al. Am J Hum Genet. 2021 Mar;108(3):458-468; Hu C. Am J Hum Genet. 2024 Mar;111(3):584-593). However, the results from two saturation genome editing-based studies, including a haploid cell-survival assay and a humanized mouse embryonic stem cell line assay of drug response and survival, are discordant for this nucleotide substitution (Huang H et al. Nature. 2025 Feb;638(8050):528-537; Sahu S et al. Nature. 2025 Feb;638(8050):538-545). This variant occurs in a structural hotspot region of the protein and is predicted to destabilize the protein and disrupt the native protein-protein (BRCA2-DSS1) interaction (Yang H et al. Science. 2002 Sep;297:1837-48). Based on the majority of available evidence to date, this variant is considered a disease-causing mutation.

Myriad Genetics, Inc.
Classification: Likely pathogenic for Breast-ovarian cancer, familial, susceptibility to, 2. Last evaluated: 2024-07-23. Review status: criteria provided, single submitter. Criteria: Myriad Autosomal Dominant, Autosomal Recessive and X-Linked Classification Criteria (2023). Collection method: clinical testing. Allele origin: unknown.
Comment: This variant is considered likely pathogenic. Functional studies indicate this variant impacts protein function [PMID: 37713444, 33609447, 37731132, 32444794, 18451181, 18607349, 23108138]. This variant is strongly associated with more severe personal and family histories of cancer, typical for individuals with pathogenic variants in this gene [PMID: 25085752].

Literature cited by the submitters: PubMed 27878467 (cited by Labcorp Genetics (formerly Invitae), Labcorp); PubMed 33609447 (cited by 3 submitters); PubMed 37731132 (cited by Labcorp Genetics (formerly Invitae), Labcorp and Myriad Genetics, Inc.); PubMed 12145750 (cited by Labcorp Genetics (formerly Invitae), Labcorp); PubMed 18451181 (cited by Labcorp Genetics (formerly Invitae), Labcorp and Myriad Genetics, Inc.); PubMed 18607349 (cited by Labcorp Genetics (formerly Invitae), Labcorp and Myriad Genetics, Inc.); PubMed 23108138 (cited by Labcorp Genetics (formerly Invitae), Labcorp and Myriad Genetics, Inc.); PubMed 25146914 (cited by Labcorp Genetics (formerly Invitae), Labcorp); PubMed 38417439 (cited by Ambry Genetics); PubMed 37713444 (cited by Myriad Genetics, Inc.); PubMed 32444794 (cited by Myriad Genetics, Inc.); PubMed 25085752 (cited by Myriad Genetics, Inc.).